The following is an entry in ClinVar:

NM_024652.6(LRRK1):c.4481G>A (p.Arg1494Gln)

Genes: LRRK1 (leucine rich repeat kinase 1; plus strand), LRRK1-AS1 (LRRK1 antisense RNA 1; minus strand). Cytogenetic location: 15q26.3.
Variant type: single nucleotide variant.
Coding change: c.4481G>A on transcript NM_024652.6 (MANE Select); coding-DNA position 4481, G replaced by A.
Protein change: p.Arg1494Gln; replaces arginine 1494 with glutamine.
Molecular consequence: missense variant.
Genome position (GRCh38, 1-based): chr15:101,057,004, G>A. VCF-style: chr15-101057004-G-A. GRCh37 (hg19) VCF-style: chr15-101597209-G-A.
Other names: c.4481G>A (NM_024652.3); short protein forms R1494Q.
Identifiers: ClinVar variation 1992051 (VCV001992051.5), dbSNP rs775480216, ClinGen allele CA275618738.

ClinVar aggregate classification (germline): Uncertain significance. Review status: criteria provided, multiple submitters, no conflicts (2 of 4 stars). 2 submissions from 2 submitters: Uncertain significance (2). Last evaluated 2023-11-14.

Conditions:
Inborn genetic diseases. Identifiers: MedGen C0950123, MeSH D030342.

Allele frequency attached by ClinVar (database versions not stated): gnomAD 0.00003; TOPMed 0.00005.
gnomAD v4.1: 19 of 1,613,680 alleles (0.0012%); highest among the groups gnomAD compares: Admixed American, 0.0083%; no homozygotes.

Submissions (2):

Ambry Genetics
Classification: Uncertain significance for Inborn genetic diseases. Last evaluated: 2023-11-14. Review status: criteria provided, single submitter. Criteria: Ambry Variant Classification Scheme 2023. Collection method: clinical testing. Allele origin: germline.

Labcorp Genetics (formerly Invitae), Labcorp
Classification: Uncertain significance. Last evaluated: 2022-04-07. Review status: criteria provided, single submitter. Criteria: Invitae Variant Classification Sherloc (09022015). Collection method: clinical testing. Allele origin: germline.
Comment: This sequence change replaces arginine, which is basic and polar, with glutamine, which is neutral and polar, at codon 1494 of the LRRK1 protein (p.Arg1494Gln). This variant is present in population databases (no rsID available, gnomAD 0.003%). This variant has not been reported in the literature in individuals affected with LRRK1-related conditions. Algorithms developed to predict the effect of missense changes on protein structure and function are either unavailable or do not agree on the potential impact of this missense change (SIFT: "Tolerated"; PolyPhen-2: "Possibly Damaging"; Align-GVGD: "Class C0"). In summary, the available evidence is currently insufficient to determine the role of this variant in disease. Therefore, it has been classified as a Variant of Uncertain Significance.